The following is an entry in ClinVar:

ClinVar aggregate classification (germline): Uncertain significance (1 of 4 stars; one submission).

Conditions:
Peroxisome biogenesis disorder 12A (Zellweger). Also called: Peroxisome biogenesis disorder 12A. Identifiers: Orphanet 912, MedGen C3554002, MONDO:0013951, OMIM 614886.

Allele frequency attached by ClinVar (database versions not stated): gnomAD exomes below 0.00001 and 0.00001.

Submission:

Labcorp Genetics (formerly Invitae), Labcorp
Classification: Uncertain significance for Peroxisome biogenesis disorder 12A (Zellweger). Last evaluated: 2021-08-24. Review status: criteria provided, single submitter. Criteria: Invitae Variant Classification Sherloc (09022015). Collection method: clinical testing. Allele origin: germline.
Comment: This sequence change replaces methionine with valine at codon 148 of the PEX19 protein (p.Met148Val). The methionine residue is moderately conserved and there is a small physicochemical difference between methionine and valine. This variant is not present in population databases (ExAC no frequency). This variant has not been reported in the literature in individuals affected with PEX19-related conditions. Algorithms developed to predict the effect of missense changes on protein structure and function (SIFT, PolyPhen-2, Align-GVGD) all suggest that this variant is likely to be tolerated. In summary, the available evidence is currently insufficient to determine the role of this variant in disease. Therefore, it has been classified as a Variant of Uncertain Significance.

NM_002857.4(PEX19):c.442A>G (p.Met148Val)

Gene: PEX19 (peroxisomal biogenesis factor 19; minus strand). Cytogenetic location: 1q23.2.
Variant type: single nucleotide variant.
Coding change: c.442A>G on transcript NM_002857.4 (MANE Select); coding-DNA position 442, A replaced by G.
Protein change: p.Met148Val; replaces methionine 148 with valine.
Molecular consequence: missense variant. On other transcripts: non-coding transcript variant (2).
Genome position (GRCh38, 1-based): chr1:160,282,191, T>C on the plus strand (A>G on the coding strand, the complement: PEX19 is on the minus strand). VCF-style: chr1-160282191-T-C. GRCh37 (hg19) VCF-style: chr1-160251981-T-C.
Other names: c.442A>G, p.Met148Val (NM_001193644.1); short protein forms M148V.
Identifiers: ClinVar variation 1514552 (VCV001514552.5), dbSNP rs905834830, ClinGen allele CA31524765.